The following is an entry in ClinVar:

NM_001278512.2(AP3B2):c.235G>C (p.Val79Leu)

Genes: AP3B2 (adaptor related protein complex 3 subunit beta 2; minus strand), CPEB1-AS1 (CPEB1 antisense RNA 1; plus strand). Cytogenetic location: 15q25.2.
Variant type: single nucleotide variant.
Coding change: c.235G>C on transcript NM_001278512.2 (MANE Select); coding-DNA position 235, G replaced by C.
Protein change: p.Val79Leu; replaces valine 79 with leucine.
Molecular consequence: missense variant.
Genome position (GRCh38, 1-based): chr15:82,689,187, C>G on the plus strand (G>C on the coding strand, the complement: AP3B2 is on the minus strand). VCF-style: chr15-82689187-C-G. GRCh37 (hg19) VCF-style: chr15-83357939-C-G.
Other names: c.235G>C, p.Val79Leu (NM_001278511.2, NM_001348440.2, NM_004644.5); short protein forms V79L.
Identifiers: ClinVar variation 1362965 (VCV001362965.8), dbSNP rs2151449229, ClinGen allele CA393301713.

ClinVar aggregate classification (germline): Uncertain significance (1 of 4 stars; one submission).

Submission:

Labcorp Genetics (formerly Invitae), Labcorp
Classification: Uncertain significance. Last evaluated: 2021-06-22. Review status: criteria provided, single submitter. Criteria: Invitae Variant Classification Sherloc (09022015). Collection method: clinical testing. Allele origin: germline.
Comment: In summary, the available evidence is currently insufficient to determine the role of this variant in disease. Therefore, it has been classified as a Variant of Uncertain Significance. Algorithms developed to predict the effect of missense changes on protein structure and function are either unavailable or do not agree on the potential impact of this missense change (SIFT: "Deleterious"; PolyPhen-2: "Probably Damaging"; Align-GVGD: "Class C0"). This variant has not been reported in the literature in individuals with AP3B2-related conditions. This variant is not present in population databases (ExAC no frequency). This sequence change replaces valine with leucine at codon 79 of the AP3B2 protein (p.Val79Leu). The valine residue is highly conserved and there is a small physicochemical difference between valine and leucine.